The following is an entry in ClinVar:

ClinVar aggregate classification (germline): Pathogenic (1 of 4 stars; one submission).

Conditions:
Inborn genetic diseases. Identifiers: MedGen C0950123, MeSH D030342.

Submission:

Ambry Genetics
Classification: Pathogenic for Inborn genetic diseases. Last evaluated: 2026-07-15. Review status: criteria provided, single submitter. Criteria: Ambry Variant Classification Scheme 2023. Collection method: clinical testing. Allele origin: germline.
Comment: The c.1295G>A (p.W432*) alteration, located in exon 14 (coding exon 14) of the SMARCC2 gene, consists of a G to A substitution at nucleotide position 1295. This changes the amino acid from a tryptophan (W) to a stop codon at amino acid position 432. This variant is expected to result in loss of function by premature protein truncation or nonsense-mediated mRNA decay. This variant was not reported in population-based cohorts in the Genome Aggregation Database (gnomAD). Based on the available evidence, this alteration is classified as pathogenic.

NM_001330288.2(SMARCC2):c.1295G>A (p.Trp432Ter)

Gene: SMARCC2 (SWI/SNF related BAF chromatin remodeling complex subunit C2; minus strand). Cytogenetic location: 12q13.2.
Variant type: single nucleotide variant.
Coding change: c.1295G>A on transcript NM_001330288.2 (MANE Select); coding-DNA position 1295, G replaced by A.
Protein change: p.Trp432Ter; replaces tryptophan 432 with a stop codon.
Molecular consequence: nonsense.
Genome position (GRCh38, 1-based): chr12:56,178,419, C>T on the plus strand (G>A on the coding strand, the complement: SMARCC2 is on the minus strand). VCF-style: chr12-56178419-C-T. GRCh37 (hg19) VCF-style: chr12-56572203-C-T.
Other names: c.1295G>A, p.Trp432Ter (NM_003075.5, NM_139067.4, NM_001130420.3); short protein forms W432*.
Identifiers: ClinVar variation 5029955 (VCV005029955.1).